The following is an entry in ClinVar:

ClinVar aggregate classification (germline): Uncertain significance (1 of 4 stars; one submission).

Conditions:
Gorlin syndrome. Also called: Basal cell nevus syndrome; Nevoid Basal Cell Carcinoma Syndrome. Identifiers: Orphanet 377, MedGen C0004779, MONDO:0007187.

Submission:

Labcorp Genetics (formerly Invitae), Labcorp
Classification: Uncertain significance for Gorlin syndrome. Last evaluated: 2025-06-29. Review status: criteria provided, single submitter. Criteria: Invitae Variant Classification Sherloc (09022015). Collection method: clinical testing. Allele origin: germline.
Comment: This variant, c.3253_3255del, results in the deletion of 1 amino acid(s) of the PTCH1 protein (p.Ile1085del), but otherwise preserves the integrity of the reading frame. This variant is not present in population databases (gnomAD no frequency). This variant has not been reported in the literature in individuals affected with PTCH1-related conditions. Experimental studies and prediction algorithms are not available or were not evaluated, and the functional significance of this variant is currently unknown. In summary, the available evidence is currently insufficient to determine the role of this variant in disease. Therefore, it has been classified as a Variant of Uncertain Significance.

NM_000264.5(PTCH1):c.3253_3255del (p.Ile1085del)

Gene: PTCH1 (patched 1; minus strand). Cytogenetic location: 9q22.32.
Variant type: Deletion.
Coding change: c.3253_3255del on transcript NM_000264.5 (MANE Select); coding-DNA positions 3253 to 3255, 3 bases deleted (ATC; older notation c.3253_3255delATC).
Protein change: p.Ile1085del; deletes isoleucine 1085.
Molecular consequence: inframe deletion. On other transcripts: non-coding transcript variant (1).
Genome position (GRCh38, 1-based): chr9:95,456,327-95,456,329, GAT deleted on the plus strand (ATC on the coding strand, the reverse complement: PTCH1 is on the minus strand); deleting any 3 consecutive bases within chr9:95,456,327-95,456,331 gives the same sequence; the c. name uses the placement nearest the transcript's 3' end. VCF-style (leftmost placement, unchanged base first): chr9-95456326-GGAT-G. GRCh37 (hg19) VCF-style: chr9-98218608-GGAT-G.
Other names: c.3055_3057del, p.Ile1019del (NM_001083602.3); c.3250_3252del, p.Ile1084del (NM_001083603.3); c.2800_2802del, p.Ile934del (NM_001083604.3, NM_001083605.3, NM_001083606.3 and 1 more transcripts); c.3097_3099del, p.Ile1033del (NM_001354918.2); short protein forms I1019del, I1033del, I934del, I1085del, I1084del.
Identifiers: ClinVar variation 4722172 (VCV004722172.1).